The following is an entry in ClinVar:

ClinVar aggregate classification (germline): Uncertain significance. Review status: criteria provided, multiple submitters, no conflicts (2 of 4 stars). 2 submissions from 2 submitters: Uncertain significance (2). Last evaluated 2026-01-19.

Conditions:
Inborn genetic diseases. Identifiers: MedGen C0950123, MeSH D030342.

Allele frequency attached by ClinVar (database versions not stated): TOPMed below 0.00001; gnomAD 0.00001; ExAC 0.00002.
gnomAD v4.1: 64 of 1,614,092 alleles (0.004%); highest among the groups gnomAD compares: Admixed American, 0.005%; no homozygotes.

Submissions (2):

Women's Health and Genetics/Laboratory Corporation of America, LabCorp
Classification: Uncertain significance. Last evaluated: 2026-01-19. Review status: criteria provided, single submitter. Criteria: LabCorp Variant Classification Summary - May 2015. Collection method: clinical testing. Allele origin: germline.
Comment: Variant summary: EPOR c.874G>A (p.Glu292Lys) results in a conservative amino acid change in the encoded protein sequence. Algorithms developed to predict the effect of missense changes on protein structure and function all suggest that this variant is likely to be tolerated. The variant allele was found at a frequency of 2.8e-05 in 251468 control chromosomes. The available data on variant occurrences in the general population are insufficient to allow any conclusion about variant significance. To our knowledge, no occurrence of c.874G>A in individuals affected with EPOR-related conditions and no experimental evidence demonstrating its impact on protein function have been reported. ClinVar contains an entry for this variant (Variation ID: 2405607). Based on the evidence outlined above, the variant was classified as uncertain significance.

Ambry Genetics
Classification: Uncertain significance for Inborn genetic diseases. Last evaluated: 2025-04-05. Review status: criteria provided, single submitter. Criteria: Ambry Variant Classification Scheme 2023. Collection method: clinical testing. Allele origin: germline.

NM_000121.4(EPOR):c.874G>A (p.Glu292Lys)

Gene: EPOR (erythropoietin receptor; minus strand). Cytogenetic location: 19p13.2.
Variant type: single nucleotide variant.
Coding change: c.874G>A on transcript NM_000121.4 (MANE Select); coding-DNA position 874, G replaced by A.
Protein change: p.Glu292Lys; replaces glutamic acid 292 with lysine.
Molecular consequence: missense variant. On other transcripts: non-coding transcript variant (1).
Genome position (GRCh38, 1-based): chr19:11,378,732, C>T on the plus strand (G>A on the coding strand, the complement: EPOR is on the minus strand). VCF-style: chr19-11378732-C-T. GRCh37 (hg19) VCF-style: chr19-11489408-C-T.
Other names: short protein forms E292K.
Identifiers: ClinVar variation 2405607 (VCV002405607.4), dbSNP rs200057444, ClinGen allele CA9210625.